The following is an entry in ClinVar:

ClinVar aggregate classification (germline): Likely benign. Review status: criteria provided, multiple submitters, no conflicts (2 of 4 stars). 3 submissions from 3 submitters: Likely benign (3). Last evaluated 2025-07-13.

Allele frequency attached by ClinVar (database versions not stated): ExAC 0.00003; gnomAD exomes 0.00003 and 0.00004; gnomAD 0.00004 and 0.00005; TOPMed 0.00008.
gnomAD v4.1: 59 of 1,613,382 alleles (0.0037%); highest among the groups gnomAD compares: Middle Eastern, 0.033%; no homozygotes.

Submissions (3):

Labcorp Genetics (formerly Invitae), Labcorp
Classification: Likely benign. Last evaluated: 2025-07-13. Review status: criteria provided, single submitter. Criteria: Invitae Variant Classification Sherloc (09022015). Collection method: clinical testing. Allele origin: germline.

Blueprint Genetics
Classification: Likely benign. Last evaluated: 2023-11-28. Review status: criteria provided, single submitter. Criteria: ACMG Guidelines, 2015. Collection method: clinical testing. Allele origin: germline.

GeneDx
Classification: Likely benign. Last evaluated: 2018-03-06. Review status: criteria provided, single submitter. Criteria: GeneDx Variant Classification (06012015). Collection method: clinical testing. Allele origin: germline. Affected: yes.
Comment: This variant is considered likely benign or benign based on one or more of the following criteria: it is a conservative change, it occurs at a poorly conserved position in the protein, it is predicted to be benign by multiple in silico algorithms, and/or has population frequency not consistent with disease.

NM_001457.4(FLNB):c.541+15C>T

Gene: FLNB (filamin B; plus strand). Cytogenetic location: 3p14.3.
Variant type: single nucleotide variant.
Coding change: c.541+15C>T on transcript NM_001457.4 (MANE Select); 15 bases into the intron after coding-DNA position 541, C replaced by T.
Molecular consequence: intron variant.
Genome position (GRCh38, 1-based): chr3:58,077,309, C>T. VCF-style: chr3-58077309-C-T. GRCh37 (hg19) VCF-style: chr3-58063036-C-T.
Other names: c.541+15C>T (NM_001164317.2, NM_001164318.2, NM_001164319.2).
Identifiers: ClinVar variation 516008 (VCV000516008.9), dbSNP rs770019318, ClinGen allele CA2467533.